The following is an entry in ClinVar:

NM_001377540.1(SLMAP):c.1312G>A (p.Val438Ile)

Gene: SLMAP (sarcolemma associated protein; plus strand). Cytogenetic location: 3p14.3.
Variant type: single nucleotide variant.
Coding change: c.1312G>A on transcript NM_001377540.1 (MANE Select); coding-DNA position 1312, G replaced by A.
Protein change: p.Val438Ile; replaces valine 438 with isoleucine.
Molecular consequence: missense variant. On other transcripts: 5 prime UTR variant (7), non-coding transcript variant (1).
Genome position (GRCh38, 1-based): chr3:57,890,052, G>A. VCF-style: chr3-57890052-G-A. GRCh37 (hg19) VCF-style: chr3-57875779-G-A.
Other names: c.1261G>A, p.Val421Ile (NM_001304420.3, NM_001377541.1, NM_001377542.1 and 2 more transcripts); c.1147G>A, p.Val383Ile (NM_001304421.2, NM_001377557.1, NM_001377559.1 and 1 more transcripts); c.-138G>A (NM_001304422.3, NM_001304423.3, NM_001311178.2 and 4 more transcripts); c.1312G>A, p.Val438Ile (NM_001377538.1, NM_001377539.1, NM_001377555.1); c.1249G>A, p.Val417Ile (NM_001377545.1, NM_001377922.1); c.1210G>A, p.Val404Ile (NM_001377549.1, NM_001377923.1, NM_007159.5); c.1198G>A, p.Val400Ile (NM_001377551.1, NM_001377552.1, NM_001377924.1); short protein forms V400I, V404I, V383I, V417I, V421I, V438I.
Identifiers: ClinVar variation 1438054 (VCV001438054.9), dbSNP rs751946618, ClinGen allele CA2467094.
Genomic context (GRCh38, chr3:57,890,052, plus strand): 5'-AATGCTGCTCAGTTTGGGCTTGGATGGTAACGTTTATTTTCCTTGGCAGAGAAGCTGATC[G>A]TCGAAGGGCATCTAACCAAAGCGGTAGAAGAAACAAAGCTTTCAAAAGGTTTGTTTTCTG-3'
Protein context (NP_001364469.1, residues 428-448): QFIECQKKLI[Val438Ile]EGHLTKAVEE

ClinVar aggregate classification (germline): Uncertain significance. Review status: criteria provided, multiple submitters, no conflicts (2 of 4 stars). 2 submissions from 2 submitters: Uncertain significance (2). Last evaluated 2025-08-12.

Conditions:
Brugada syndrome. Also called: Sudden unexpected nocturnal death syndrome; Sudden unexplained nocturnal death syndrome; Sudden Unexplained Death Syndrome; Sudden Unexplained Nocturnal Death Syndrome (SUNDS). Identifiers: Orphanet 130, MedGen C1142166, MONDO:0015263.

Allele frequency attached by ClinVar (database versions not stated): gnomAD exomes 0.00001 and 0.00002; TOPMed 0.00001; ExAC 0.00002.
gnomAD v4.1: 7 of 1,613,016 alleles (0.00043%); highest among the groups gnomAD compares: South Asian, 0.0022%; no homozygotes.

Submissions (2):

Ambry Genetics
Classification: Uncertain significance. Last evaluated: 2025-08-12. Review status: criteria provided, single submitter. Criteria: Ambry Variant Classification Scheme 2023. Collection method: clinical testing. Allele origin: germline.
Comment: The p.V404I variant (also known as c.1210G>A), located in coding exon 12 of the SLMAP gene, results from a G to A substitution at nucleotide position 1210. The valine at codon 404 is replaced by isoleucine, an amino acid with highly similar properties. This amino acid position is conserved. In addition, this alteration is predicted to be tolerated by in silico analysis. Since supporting evidence is limited at this time, the clinical significance of this alteration remains unclear.

Labcorp Genetics (formerly Invitae), Labcorp
Classification: Uncertain significance for Brugada syndrome. Last evaluated: 2024-01-24. Review status: criteria provided, single submitter. Criteria: Invitae Variant Classification Sherloc (09022015). Collection method: clinical testing. Allele origin: germline.
Comment: This sequence change replaces valine, which is neutral and non-polar, with isoleucine, which is neutral and non-polar, at codon 404 of the SLMAP protein (p.Val404Ile). This variant is present in population databases (rs751946618, gnomAD 0.003%). This variant has not been reported in the literature in individuals affected with SLMAP-related conditions. ClinVar contains an entry for this variant (Variation ID: 1438054). An algorithm developed to predict the effect of missense changes on protein structure and function (PolyPhen-2) suggests that this variant is likely to be tolerated. In summary, the available evidence is currently insufficient to determine the role of this variant in disease. Therefore, it has been classified as a Variant of Uncertain Significance.